The following is an entry in ClinVar:

ClinVar aggregate classification (germline): Pathogenic (1 of 4 stars; one submission).

Conditions:
Birt-Hogg-Dube syndrome. Also called: Birt Hogg Dubé syndrome. Identifiers: Orphanet 122, MedGen C0346010, MONDO:0800444.

Submission:

Labcorp Genetics (formerly Invitae), Labcorp
Classification: Pathogenic for Birt-Hogg-Dube syndrome. Last evaluated: 2023-10-04. Review status: criteria provided, single submitter. Criteria: Invitae Variant Classification Sherloc (09022015). Collection method: clinical testing. Allele origin: germline.
Comment: This sequence change creates a premature translational stop signal (p.Glu12Glyfs*43) in the FLCN gene. It is expected to result in an absent or disrupted protein product. Loss-of-function variants in FLCN are known to be pathogenic (PMID: 15852235). This variant is not present in population databases (gnomAD no frequency). This variant has not been reported in the literature in individuals affected with FLCN-related conditions. For these reasons, this variant has been classified as Pathogenic.

Literature cited by the submitters: PubMed 15852235.

NM_144997.7(FLCN):c.35del (p.Glu12fs)

Gene: FLCN (folliculin; minus strand). Cytogenetic location: 17p11.2.
Variant type: Deletion.
Coding change: c.35del on transcript NM_144997.7 (MANE Select); coding-DNA position 35, one base deleted (A; older notation c.35delA).
Protein change: p.Glu12fs; shifts the reading frame from glutamic acid 12.
Molecular consequence: frameshift variant.
Genome position (GRCh38, 1-based): chr17:17,228,103, T deleted on the plus strand (A on the coding strand, the reverse complement: FLCN is on the minus strand). VCF-style (leftmost placement, unchanged base first): chr17-17228102-CT-C. GRCh37 (hg19) VCF-style: chr17-17131416-CT-C.
Other names: c.35del, p.Glu12fs (NM_001353229.2, NM_001353230.2, NM_001353231.2 and 1 more transcripts); short protein forms E12fs.
Identifiers: ClinVar variation 2764940 (VCV002764940.3), dbSNP rs2544314814, ClinGen allele CA2697559512.
Genomic context (GRCh38, chr17:17,228,102, plus strand): 5'-CCCTTGAGGAAGTGGGGCGTGCAGCACCTCCGTGCAGAAGAGAGTGCGGGGGCCGTGGAG[CT>C]CGCAGAAGTGGCAGAGAGCCACGATGGCATTCATGGTGCCTTGGAGACTGCAACAGGCCT-3'